The following is an entry in ClinVar:

NM_000548.5(TSC2):c.4603G>T (p.Asp1535Tyr)

Gene: TSC2 (TSC complex subunit 2; plus strand). Cytogenetic location: 16p13.3.
Variant type: single nucleotide variant.
Coding change: c.4603G>T on transcript NM_000548.5 (MANE Select); coding-DNA position 4603, G replaced by T.
Protein change: p.Asp1535Tyr; replaces aspartic acid 1535 with tyrosine.
Molecular consequence: missense variant.
Genome position (GRCh38, 1-based): chr16:2,085,263, G>T. VCF-style: chr16-2085263-G-T. GRCh37 (hg19) VCF-style: chr16-2135264-G-T.
Other names: c.4402G>T, p.Asp1468Tyr (NM_001077183.3); c.4534G>T, p.Asp1512Tyr (NM_001114382.3); c.4294G>T, p.Asp1432Tyr (NM_001318827.2); c.4258G>T, p.Asp1420Tyr (NM_001318829.2); c.3871G>T, p.Asp1291Tyr (NM_001318831.2); c.4435G>T, p.Asp1479Tyr (NM_001318832.2); c.4405G>T, p.Asp1469Tyr (NM_001363528.2); c.4471G>T, p.Asp1491Tyr (NM_001370404.1); and 1 more; short protein forms D1535Y, D1420Y, D1468Y, D1479Y, D1432Y, D1469Y, D1491Y, D1492Y.
Identifiers: ClinVar variation 50016 (VCV000050016.7), dbSNP rs45517353, ClinGen allele CA020751.
Genomic context (GRCh38, chr16:2,085,263, plus strand): 5'-GCTCAGGCAGGGCTCTGTGTGCCACAGTCACAGTCCTTTGAGCGGTCGGTGCAGCTCCTC[G>T]ACCAGATCCCATCATACGACACCCACAAGATCGCCGTCCTGTATGTTGGAGAAGGCCAGG-3'
Protein context (NP_000539.2, residues 1525-1545): QSFERSVQLL[Asp1535Tyr]QIPSYDTHKI

ClinVar aggregate classification (germline): Uncertain significance. Review status: criteria provided, single submitter (1 of 4 stars). 2 submissions from 2 submitters: Uncertain significance (1). 1 of the submissions does not count toward it. Last evaluated 2020-12-05.

Conditions:
Tuberous sclerosis syndrome (TSC). Also called: Tuberous Sclerosis Complex; Tuberous sclerosis. Identifiers: Orphanet 805, MedGen C0041341, MONDO:0001734.
Tuberous sclerosis 2 (TSC2). Identifiers: Orphanet 805, MedGen C1860707, MONDO:0013199, OMIM 613254.

Submissions (2):

Labcorp Genetics (formerly Invitae), Labcorp
Classification: Uncertain significance for Tuberous sclerosis 2. Last evaluated: 2020-12-05. Review status: criteria provided, single submitter. Criteria: Invitae Variant Classification Sherloc (09022015). Collection method: clinical testing. Allele origin: germline.
Comment: This variant is not present in population databases (ExAC no frequency). This variant has been reported in an individual affected with tuberous sclerosis complex (PMID: 16981987). ClinVar contains an entry for this variant (Variation ID: 50016). Algorithms developed to predict the effect of missense changes on protein structure and function do not agree on the potential impact of this missense change (SIFT: "Deleterious"; PolyPhen-2: "Probably Damaging"; Align-GVGD: "Class C15"). In summary, the available evidence is currently insufficient to determine the role of this variant in disease. Therefore, it has been classified as a Variant of Uncertain Significance. This sequence change replaces aspartic acid with tyrosine at codon 1535 of the TSC2 protein (p.Asp1535Tyr). The aspartic acid residue is highly conserved and there is a large physicochemical difference between aspartic acid and tyrosine.

Tuberous sclerosis database (TSC2)
No classification provided. Condition: TSC. Review status: no classification provided. Criteria: Tuberous Sclerosis Database Assertion Criteria 2015. Collection method: curation. Allele origin: germline. Affected: yes. Not counted in ClinVar's aggregate classification.

Literature cited by the submitters: PubMed 16981987 (cited by Labcorp Genetics (formerly Invitae), Labcorp).